The following is an entry in ClinVar:

ClinVar aggregate classification (germline): Uncertain significance (1 of 4 stars; one submission).

Conditions:
Hereditary cancer-predisposing syndrome. Also called: Hereditary neoplastic syndrome; Neoplastic Syndromes, Hereditary; Tumor predisposition; Hereditary Cancer Syndrome. Identifiers: Orphanet 140162, MedGen C0027672, MeSH D009386, MONDO:0015356.

Submission:

Ambry Genetics
Classification: Uncertain significance for Hereditary cancer-predisposing syndrome. Last evaluated: 2025-07-10. Review status: criteria provided, single submitter. Criteria: Ambry Variant Classification Scheme 2023. Collection method: clinical testing. Allele origin: germline.
Comment: The p.Q1341P variant (also known as c.4022A>C), located in coding exon 32 of the POLE gene, results from an A to C substitution at nucleotide position 4022. The glutamine at codon 1341 is replaced by proline, an amino acid with similar properties. This amino acid position is conserved. In addition, the in silico prediction for this alteration is inconclusive. Based on the available evidence, the clinical significance of this variant remains unclear.

NM_006231.4(POLE):c.4022A>C (p.Gln1341Pro)

Gene: POLE (DNA polymerase epsilon, catalytic subunit; minus strand). Cytogenetic location: 12q24.33.
Variant type: single nucleotide variant.
Coding change: c.4022A>C on transcript NM_006231.4 (MANE Select); coding-DNA position 4022, A replaced by C.
Protein change: p.Gln1341Pro; replaces glutamine 1341 with proline.
Molecular consequence: missense variant.
Genome position (GRCh38, 1-based): chr12:132,649,056, T>G on the plus strand (A>C on the coding strand, the complement: POLE is on the minus strand). VCF-style: chr12-132649056-T-G. GRCh37 (hg19) VCF-style: chr12-133225642-T-G.
Other names: short protein forms Q1341P.
Identifiers: ClinVar variation 4141156 (VCV004141156.1).